The following is an entry in ClinVar:

NM_000081.4(LYST):c.10352A>G (p.Gln3451Arg)

Gene: LYST (lysosomal trafficking regulator; minus strand). Cytogenetic location: 1q42.3.
Variant type: single nucleotide variant.
Coding change: c.10352A>G on transcript NM_000081.4 (MANE Select); coding-DNA position 10352, A replaced by G.
Protein change: p.Gln3451Arg; replaces glutamine 3451 with arginine.
Molecular consequence: missense variant.
Genome position (GRCh38, 1-based): chr1:235,702,769, T>C on the plus strand (A>G on the coding strand, the complement: LYST is on the minus strand). VCF-style: chr1-235702769-T-C. GRCh37 (hg19) VCF-style: chr1-235866069-T-C.
Other names: c.10352A>G, p.Gln3451Arg (NM_001301365.1); short protein forms Q3451R.
Identifiers: ClinVar variation 2011461 (VCV002011461.4), dbSNP rs2527322734, ClinGen allele CA344931064.

ClinVar aggregate classification (germline): Uncertain significance (1 of 4 stars; one submission).

Conditions:
Chédiak-Higashi syndrome (CHS). Also called: Chediak-Higashi Syndrome. Identifiers: Orphanet 167, MedGen C0007965, MONDO:0008963, OMIM 214500.

Submission:

Labcorp Genetics (formerly Invitae), Labcorp
Classification: Uncertain significance for Chédiak-Higashi syndrome. Last evaluated: 2022-06-27. Review status: criteria provided, single submitter. Criteria: Invitae Variant Classification Sherloc (09022015). Collection method: clinical testing. Allele origin: germline.
Comment: This variant has not been reported in the literature in individuals affected with LYST-related conditions. In summary, the available evidence is currently insufficient to determine the role of this variant in disease. Therefore, it has been classified as a Variant of Uncertain Significance. Algorithms developed to predict the effect of missense changes on protein structure and function (SIFT, PolyPhen-2, Align-GVGD) all suggest that this variant is likely to be tolerated. This variant is not present in population databases (gnomAD no frequency). This sequence change replaces glutamine, which is neutral and polar, with arginine, which is basic and polar, at codon 3451 of the LYST protein (p.Gln3451Arg).